The following is an entry in ClinVar:

NM_000465.4(BARD1):c.1549G>A (p.Gly517Arg)

Gene: BARD1 (BRCA1 associated RING domain 1; minus strand). Cytogenetic location: 2q35.
Variant type: single nucleotide variant.
Coding change: c.1549G>A on transcript NM_000465.4 (MANE Select); coding-DNA position 1549, G replaced by A.
Protein change: p.Gly517Arg; replaces glycine 517 with arginine.
Molecular consequence: missense variant. On other transcripts: non-coding transcript variant (3), intron variant (3).
Genome position (GRCh38, 1-based): chr2:214,767,501, C>T on the plus strand (G>A on the coding strand, the complement: BARD1 is on the minus strand). VCF-style: chr2-214767501-C-T. GRCh37 (hg19) VCF-style: chr2-215632225-C-T.
Other names: c.1492G>A, p.Gly498Arg (NM_001282543.2); c.159-14946G>A (NM_001282548.2); c.216-14946G>A (NM_001282545.2); c.364+24796G>A (NM_001282549.2); short protein forms G517R, G498R.
Identifiers: ClinVar variation 479113 (VCV000479113.22), dbSNP rs1553619208, ClinGen allele CA350448149.

ClinVar aggregate classification (germline): Uncertain significance. Review status: criteria provided, multiple submitters, no conflicts (2 of 4 stars). 7 submissions from 7 submitters: Uncertain significance (7). Last evaluated 2025-12-11.

Conditions:
Hereditary cancer-predisposing syndrome. Also called: Neoplastic Syndromes, Hereditary; Hereditary Cancer Syndrome; Hereditary neoplastic syndrome; Tumor predisposition. Identifiers: Orphanet 140162, MedGen C0027672, MeSH D009386, MONDO:0015356.
Familial cancer of breast. Also called: BREAST CANCER, FAMILIAL; hereditary breast carcinoma; Hereditary breast cancer. Identifiers: Orphanet 227535, MedGen C0346153, MONDO:0016419, OMIM 114480. Disease mechanism: loss of function.

Submissions (7):

Labcorp Genetics (formerly Invitae), Labcorp
Classification: Uncertain significance for Familial cancer of breast. Last evaluated: 2025-12-11. Review status: criteria provided, single submitter. Criteria: Invitae Variant Classification Sherloc (09022015). Collection method: clinical testing. Allele origin: germline.
Comment: This sequence change replaces glycine, which is neutral and non-polar, with arginine, which is basic and polar, at codon 517 of the BARD1 protein (p.Gly517Arg). This variant is not present in population databases (gnomAD no frequency). This missense change has been observed in individual(s) with ovarian cancer (PMID: 26315354). ClinVar contains an entry for this variant (Variation ID: 479113). An algorithm developed to predict the effect of missense changes on protein structure and function (PolyPhen-2) suggests that this variant is likely to be disruptive. In summary, the available evidence is currently insufficient to determine the role of this variant in disease. Therefore, it has been classified as a Variant of Uncertain Significance.

Color Diagnostics, LLC DBA Color Health
Classification: Uncertain significance for Hereditary cancer-predisposing syndrome. Last evaluated: 2025-07-29. Review status: criteria provided, single submitter. Criteria: ACMG Guidelines, 2015. Collection method: clinical testing. Allele origin: germline.
Comment: This missense variant replaces glycine with arginine at codon 517 of the BARD1 protein. Computational prediction suggests that this variant may have deleterious impact on protein structure and function. To our knowledge, functional studies have not been reported for this variant. This variant has not been reported in individuals affected with BARD1-related disorders in the literature. This variant has not been identified in the general population by the Genome Aggregation Database (gnomAD). The available evidence is insufficient to determine the role of this variant in disease conclusively. Therefore, this variant is classified as a Variant of Uncertain Significance.

Ambry Genetics
Classification: Uncertain significance for Hereditary cancer-predisposing syndrome. Last evaluated: 2024-03-12. Review status: criteria provided, single submitter. Criteria: Ambry Variant Classification Scheme 2023. Collection method: clinical testing. Allele origin: germline.
Comment: The p.G517R variant (also known as c.1549G>A), located in coding exon 6 of the BARD1 gene, results from a G to A substitution at nucleotide position 1549. The glycine at codon 517 is replaced by arginine, an amino acid with dissimilar properties. In one study, this alteration was observed in 1/3236 cases with invasive epithelial ovarian cancer and 0/3431 controls (Ramus SJ et al. J Natl Cancer Inst, 2015 Nov;107). This amino acid position is highly conserved in available vertebrate species. In addition, this alteration is predicted to be deleterious by in silico analysis. Based on the available evidence, the clinical significance of this alteration remains unclear.

Baylor Genetics
Classification: Uncertain significance for Familial cancer of breast. Last evaluated: 2023-09-15. Review status: criteria provided, single submitter. Criteria: ACMG Guidelines, 2015. Collection method: clinical testing. Allele origin: unknown.

GeneDx
Classification: Uncertain significance. Last evaluated: 2023-07-31. Review status: criteria provided, single submitter. Criteria: GeneDx Variant Classification Process June 2021. Collection method: clinical testing. Allele origin: germline. Affected: yes.
Comment: Not observed at significant frequency in large population cohorts (gnomAD); In silico analysis supports that this missense variant has a deleterious effect on protein structure/function; Observed in an individual with ovarian cancer (Ramus et al., 2015); This variant is associated with the following publications: (PMID: 29292755, 18480049, 26315354)

Women's Health and Genetics/Laboratory Corporation of America, LabCorp
Classification: Uncertain significance. Last evaluated: 2022-10-27. Review status: criteria provided, single submitter. Criteria: LabCorp Variant Classification Summary - May 2015. Collection method: clinical testing. Allele origin: germline.
Comment: Variant summary: BARD1 c.1549G>A (p.Gly517Arg) results in a non-conservative amino acid change in the encoded protein sequence. Five of five in-silico tools predict a damaging effect of the variant on protein function. The variant was absent in 251256 control chromosomes (gnomAD). The available data on variant occurrences in the general population are insufficient to allow any conclusion about variant significance. c.1549G>A has been reported in the literature in an individual affected with epithelial ovarian cancer (example: Ramus_2015). This report does not provide unequivocal conclusions about association of the variant with Breast Cancer. To our knowledge, no experimental evidence demonstrating an impact on protein function has been reported. Four clinical diagnostic laboratories have submitted clinical-significance assessments for this variant to ClinVar after 2014 and all classified the variant as uncertain significance. Based on the evidence outlined above, the variant was classified as uncertain significance.

Department of Pathology and Laboratory Medicine, Sinai Health System
Classification: Uncertain significance for Familial cancer of breast. Last evaluated: 2022-10-24. Review status: criteria provided, single submitter. Criteria: ACMG Guidelines, 2015. Collection method: clinical testing. Allele origin: germline. Affected: yes.

Literature cited by the submitters: PubMed 26315354 (cited by 4 submitters).